The following is an entry in ClinVar:

NM_001134407.3(GRIN2A):c.934T>C (p.Tyr312His)

Gene: GRIN2A (glutamate ionotropic receptor NMDA type subunit 2A; minus strand). Cytogenetic location: 16p13.2.
Variant type: single nucleotide variant.
Coding change: c.934T>C on transcript NM_001134407.3 (MANE Select); coding-DNA position 934, T replaced by C.
Protein change: p.Tyr312His; replaces tyrosine 312 with histidine.
Molecular consequence: missense variant.
Genome position (GRCh38, 1-based): chr16:9,938,032, A>G on the plus strand (T>C on the coding strand, the complement: GRIN2A is on the minus strand). VCF-style: chr16-9938032-A-G. GRCh37 (hg19) VCF-style: chr16-10031889-A-G.
Other names: c.934T>C, p.Tyr312His (NM_000833.5, NM_001134408.2); short protein forms Y312H.
Identifiers: ClinVar variation 1422076 (VCV001422076.6), dbSNP rs2044756352, ClinGen allele CA394798188.

ClinVar aggregate classification (germline): Uncertain significance (1 of 4 stars; one submission).

Conditions:
Landau-Kleffner syndrome (FESD). Also called: APHASIA, ACQUIRED, WITH EPILEPSY; EPILEPSY, FOCAL, WITH SPEECH DISORDER AND WITH OR WITHOUT MENTAL RETARDATION. Identifiers: Orphanet 1945, Orphanet 725, Orphanet 98818, MedGen C0282512, MONDO:0009509, OMIM 245570.

gnomAD v4.1: 7 of 1,614,042 alleles (0.00043%); highest among the groups gnomAD compares: Non-Finnish European, 0.00059%; no homozygotes.

Submission:

Labcorp Genetics (formerly Invitae), Labcorp
Classification: Uncertain significance for Landau-Kleffner syndrome. Last evaluated: 2021-10-20. Review status: criteria provided, single submitter. Criteria: Invitae Variant Classification Sherloc (09022015). Collection method: clinical testing. Allele origin: germline.
Comment: Advanced modeling of protein sequence and biophysical properties (such as structural, functional, and spatial information, amino acid conservation, physicochemical variation, residue mobility, and thermodynamic stability) performed at Invitae indicates that this missense variant is not expected to disrupt GRIN2A protein function. In summary, the available evidence is currently insufficient to determine the role of this variant in disease. Therefore, it has been classified as a Variant of Uncertain Significance. This sequence change replaces tyrosine with histidine at codon 312 of the GRIN2A protein (p.Tyr312His). The tyrosine residue is weakly conserved and there is a moderate physicochemical difference between tyrosine and histidine. This variant is not present in population databases (ExAC no frequency). This variant has not been reported in the literature in individuals affected with GRIN2A-related conditions.